The following is an entry in ClinVar:

NM_003072.5(SMARCA4):c.792_812dup (p.Gly271_Met272insProSerGlyValProProGly)

Gene: SMARCA4 (SWI/SNF related BAF chromatin remodeling complex subunit ATPase 4; plus strand). Cytogenetic location: 19p13.2.
Variant type: Duplication.
Coding change: c.792_812dup on transcript NM_003072.5 (MANE Select); coding-DNA positions 792 to 812, 21 bases duplicated (ACCCTCGGGCGTGCCCCCCGG).
Protein change: p.Gly271_Met272insProSerGlyValProProGly.
Molecular consequence: inframe insertion. On other transcripts: non-coding transcript variant (1).
Genome position (GRCh38, 1-based): chr19:10,986,936-10,986,956, ACCCTCGGGCGTGCCCCCCGG duplicated; duplicating any 21 consecutive bases within chr19:10,986,934-10,986,956 gives the same sequence; the c. name uses the placement nearest the transcript's 3' end. VCF-style (leftmost placement, unchanged base first): chr19-10986933-A-AGGACCCTCGGGCGTGCCCCCC. GRCh37 (hg19) VCF-style: chr19-11097609-A-AGGACCCTCGGGCGTGCCCCCC.
Other names: c.792_812dup, p.Gly271_Met272insProSerGlyValProProGly (NM_001128844.3, NM_001128845.2, NM_001128846.2 and 6 more transcripts).
Identifiers: ClinVar variation 2769906 (VCV002769906.3), dbSNP rs2514020297, ClinGen allele CA2697556220.

ClinVar aggregate classification (germline): Uncertain significance (1 of 4 stars; one submission).

Conditions:
Rhabdoid tumor predisposition syndrome 2 (RTPS2). Identifiers: Orphanet 231108, Orphanet 69077, MedGen C2750074, MONDO:0013224, OMIM 613325.

Submission:

Labcorp Genetics (formerly Invitae), Labcorp
Classification: Uncertain significance for Rhabdoid tumor predisposition syndrome 2. Last evaluated: 2023-06-05. Review status: criteria provided, single submitter. Criteria: Invitae Variant Classification Sherloc (09022015). Collection method: clinical testing. Allele origin: germline.
Comment: This variant, c.792_812dup, results in the insertion of 7 amino acid(s) of the SMARCA4 protein (p.Pro265_Gly271dup), but otherwise preserves the integrity of the reading frame. In summary, the available evidence is currently insufficient to determine the role of this variant in disease. Therefore, it has been classified as a Variant of Uncertain Significance. This variant has not been reported in the literature in individuals affected with SMARCA4-related conditions. This variant is not present in population databases (gnomAD no frequency).